The following is an entry in ClinVar:

NM_000285.4(PEPD):c.1255G>C (p.Asp419His)

Gene: PEPD (peptidase D; minus strand). Cytogenetic location: 19q13.11.
Variant type: single nucleotide variant.
Coding change: c.1255G>C on transcript NM_000285.4 (MANE Select); coding-DNA position 1255, G replaced by C.
Protein change: p.Asp419His; replaces aspartic acid 419 with histidine.
Molecular consequence: missense variant.
Genome position (GRCh38, 1-based): chr19:33,387,979, C>G on the plus strand (G>C on the coding strand, the complement: PEPD is on the minus strand). VCF-style: chr19-33387979-C-G. GRCh37 (hg19) VCF-style: chr19-33878885-C-G.
Other names: c.1132G>C, p.Asp378His (NM_001166056.2); c.1063G>C, p.Asp355His (NM_001166057.2); short protein forms D419H, D355H, D378H.
Identifiers: ClinVar variation 1357601 (VCV001357601.3), dbSNP rs559002568, ClinGen allele CA9363948.

ClinVar aggregate classification (germline): Uncertain significance (1 of 4 stars; one submission).

gnomAD v4.1: 48 of 1,593,050 alleles (0.003%); highest among the groups gnomAD compares: Non-Finnish European, 0.004%; no homozygotes.

Submission:

Labcorp Genetics (formerly Invitae), Labcorp
Classification: Uncertain significance. Last evaluated: 2021-11-12. Review status: criteria provided, single submitter. Criteria: Invitae Variant Classification Sherloc (09022015). Collection method: clinical testing. Allele origin: germline.
Comment: This sequence change replaces aspartic acid, which is acidic and polar, with histidine, which is basic and polar, at codon 419 of the PEPD protein (p.Asp419His). The frequency data for this variant in the population databases is considered unreliable, as metrics indicate poor data quality at this position in the gnomAD database. This variant has not been reported in the literature in individuals affected with PEPD-related conditions. Algorithms developed to predict the effect of missense changes on protein structure and function are either unavailable or do not agree on the potential impact of this missense change (SIFT: "Tolerated"; PolyPhen-2: "Probably Damaging"; Align-GVGD: "Class C0"). In summary, the available evidence is currently insufficient to determine the role of this variant in disease. Therefore, it has been classified as a Variant of Uncertain Significance.